The following is an entry in ClinVar:

NM_001048183.3(PHACTR4):c.1868T>C (p.Leu623Pro)

Gene: PHACTR4 (phosphatase and actin regulator 4; plus strand). Cytogenetic location: 1p35.3.
Variant type: single nucleotide variant.
Coding change: c.1868T>C on transcript NM_001048183.3 (MANE Select); coding-DNA position 1868, T replaced by C.
Protein change: p.Leu623Pro; replaces leucine 623 with proline.
Molecular consequence: missense variant.
Genome position (GRCh38, 1-based): chr1:28,491,002, T>C. VCF-style: chr1-28491002-T-C. GRCh37 (hg19) VCF-style: chr1-28817514-T-C.
Other names: c.1892T>C, p.Leu631Pro (NM_001350158.2, NM_001350159.2); c.1868T>C, p.Leu623Pro (NM_001350160.2); c.1820T>C, p.Leu607Pro (NM_001350161.2); c.1898T>C, p.Leu633Pro (NM_023923.4); short protein forms L607P, L623P, L631P, L633P.
Identifiers: ClinVar variation 3362255 (VCV003362255.1).
Genomic context (GRCh38, chr1:28,491,002, plus strand): 5'-CAACTGTAGCTAAAAATGAAGCTGATCGTCAGGCAGAAAAACGAGAAATTAAACGTCGGC[T>C]CACTAGAAAGGTACTACTGCCTGTGTGTTCAGTTAACTATATGTGTTATATTTGGATGGC-3'
Protein context (NP_001041648.1, residues 613-633): QAEKREIKRR[Leu623Pro]TRKLSQRPTV

ClinVar aggregate classification (germline): Uncertain significance (1 of 4 stars; one submission).

Submission:

GeneDx
Classification: Uncertain significance. Last evaluated: 2024-09-24. Review status: criteria provided, single submitter. Criteria: GeneDx Variant Classification Process June 2021. Collection method: clinical testing. Allele origin: germline. Affected: yes.
Comment: Not observed in large population cohorts (Lek et al., 2016); In silico analysis, which includes protein predictors and evolutionary conservation, supports a deleterious effect; Has not been previously published as pathogenic or benign to our knowledge; Variants in candidate genes are classified as variants of uncertain significance in accordance with ACMG guidelines (Richards et al., 2015)